The following is an entry in ClinVar:

ClinVar aggregate classification (germline): Pathogenic (1 of 4 stars; one submission).

Submission:

Labcorp Genetics (formerly Invitae), Labcorp
Classification: Pathogenic. Last evaluated: 2023-11-04. Review status: criteria provided, single submitter. Criteria: Invitae Variant Classification Sherloc (09022015). Collection method: clinical testing. Allele origin: unknown.
Comment: This variant is a gross deletion of the genomic region encompassing exon(s) 7-12 of the SNX14 gene. This deletion is out-of-frame, and is expected to create a premature termination codon and result in an absent or disrupted protein product. Loss-of-function variants in SNX14 are known to be pathogenic (PMID: 25439728, 25848753). This variant has not been reported in the literature in individuals affected with SNX14-related conditions. For these reasons, this variant has been classified as Pathogenic.

Literature cited by the submitters: PubMed 25439728; PubMed 25848753.

NC_000006.11:g.(?_86256810)_(86267798_?)del

Gene: SNX14 (sorting nexin 14; minus strand). Cytogenetic location: 6q14.3.
Variant type: Deletion.
Identifiers: ClinVar variation 3246248 (VCV003246248.1).